The following is an entry in ClinVar:

ClinVar aggregate classification (germline): Uncertain significance (1 of 4 stars; one submission).

Allele frequency attached by ClinVar (database versions not stated): gnomAD 0.00003; ESP Exome Variant Server 0.00008.
gnomAD v4.1: 15 of 1,613,912 alleles (0.00093%); highest among the groups gnomAD compares: Middle Eastern, 0.017%; no homozygotes.

Submissions (2):

Labcorp Genetics (formerly Invitae), Labcorp
Classification: Uncertain significance. Last evaluated: 2024-12-09. Review status: criteria provided, single submitter. Criteria: Invitae Variant Classification Sherloc (09022015). Collection method: clinical testing. Allele origin: germline.
Comment: This sequence change replaces alanine, which is neutral and non-polar, with valine, which is neutral and non-polar, at codon 2926 of the FAT2 protein (p.Ala2926Val). This variant is present in population databases (rs377736336, gnomAD 0.02%). This variant has not been reported in the literature in individuals affected with FAT2-related conditions. ClinVar contains an entry for this variant (Variation ID: 2906280). Invitae Evidence Modeling of protein sequence and biophysical properties (such as structural, functional, and spatial information, amino acid conservation, physicochemical variation, residue mobility, and thermodynamic stability) indicates that this missense variant is not expected to disrupt FAT2 protein function with a negative predictive value of 80%. In summary, the available evidence is currently insufficient to determine the role of this variant in disease. Therefore, it has been classified as a Variant of Uncertain Significance.

Dr. Peter K. Rogan Lab, Western University
No classification provided (evidence only). Condition: Gastric cancer. Review status: no classification provided. Collection method: in vitro. Allele origin: not applicable. Functional consequence: retained intron. Not counted in ClinVar's aggregate classification.

NM_001447.3(FAT2):c.8777C>T (p.Ala2926Val)

Genes: FAT2 (FAT atypical cadherin 2; minus strand), SLC36A1 (solute carrier family 36 member 1; plus strand). Cytogenetic location: 5q33.1.
Variant type: single nucleotide variant.
Coding change: c.8777C>T on transcript NM_001447.3 (MANE Select); coding-DNA position 8777, C replaced by T.
Protein change: p.Ala2926Val; replaces alanine 2926 with valine.
Molecular consequence: missense variant.
Genome position (GRCh38, 1-based): chr5:151,542,350, G>A on the plus strand (C>T on the coding strand, the complement: FAT2 is on the minus strand). VCF-style: chr5-151542350-G-A. GRCh37 (hg19) VCF-style: chr5-150921911-G-A.
Other names: short protein forms A2926V.
Identifiers: ClinVar variation 2906280 (VCV002906280.4), dbSNP rs377736336, ClinGen allele CA3520748.
Genomic context (GRCh38, chr5:151,542,350, plus strand): 5'-ATGTAGCAGGTGACCTGCCTGTTCTGCTCAGAAATGTCAGCATCCAGGGTCTTTAGAGTC[G>A]CCACCAGTTCGCCAGGCTCACTGTTCTCAACCACAGATCCTCTGTACTCTTCAGAAGCAA-3'
Protein context (NP_001438.1, residues 2916-2936): VENSEPGELV[Ala2926Val]TLKTLDADIS